The following is an entry in ClinVar:

NM_016507.4(CDK12):c.2011C>T (p.Leu671Phe)

Gene: CDK12 (cyclin dependent kinase 12; plus strand). Cytogenetic location: 17q12.
Variant type: single nucleotide variant.
Coding change: c.2011C>T on transcript NM_016507.4 (MANE Select); coding-DNA position 2011, C replaced by T.
Protein change: p.Leu671Phe; replaces leucine 671 with phenylalanine.
Molecular consequence: missense variant.
Genome position (GRCh38, 1-based): chr17:39,490,636, C>T. VCF-style: chr17-39490636-C-T. GRCh37 (hg19) VCF-style: chr17-37646889-C-T.
Other names: c.2011C>T, p.Leu671Phe (NM_015083.4); short protein forms L671F.
Identifiers: ClinVar variation 2340206 (VCV002340206.3), dbSNP rs368426444, ClinGen allele CA398829842.

ClinVar aggregate classification (germline): Uncertain significance (1 of 4 stars; one submission).

Submission:

Ambry Genetics
Classification: Uncertain significance. Last evaluated: 2025-12-10. Review status: criteria provided, single submitter. Criteria: Ambry Variant Classification Scheme 2023. Collection method: clinical testing. Allele origin: germline.
Comment: The p.L671F variant (also known as c.2011C>T), located in coding exon 3 of the CDK12 gene, results from a C to T substitution at nucleotide position 2011. The leucine at codon 671 is replaced by phenylalanine, an amino acid with highly similar properties. This amino acid position is conserved. In addition, this alteration is predicted to be tolerated by in silico analysis. Based on the available evidence, the clinical significance of this variant remains unclear.